The following is an entry in ClinVar:

NM_078480.3(PUF60):c.1162CCT[1] (p.Pro389del)

Gene: PUF60 (poly(U) binding splicing factor 60; minus strand). Cytogenetic location: 8q24.3.
Variant type: Microsatellite.
Coding change: c.1162CCT[1] on transcript NM_078480.3 (MANE Select); one copy of the 3-base unit CCT starting at c.1162; the reference has two copies in a row; one copy, 3 bases deleted.
Protein change: p.Pro389del; deletes proline 389.
Molecular consequence: inframe deletion.
Genome position (GRCh38, 1-based): chr8:143,817,123-143,817,125, AGG deleted on the plus strand (CCT on the coding strand, the reverse complement: PUF60 is on the minus strand); deleting any 3 consecutive bases within chr8:143,817,123-143,817,129 gives the same sequence; the position shown is the placement nearest the transcript's 3' end. VCF-style (leftmost placement, unchanged base first): chr8-143817122-TAGG-T. GRCh37 (hg19) VCF-style: chr8-144899292-TAGG-T.
Other names: c.1276_1278del (NM_001362895.2); c.1033CCT[1], p.Pro346del (NM_001136033.3); c.1108CCT[1], p.Pro371del (NM_001271096.2); c.1024CCT[1], p.Pro343del (NM_001271097.2); c.1159CCT[1], p.Pro388del (NM_001271098.2); c.1075CCT[1], p.Pro360del (NM_001271099.2); c.982CCT[1], p.Pro329del (NM_001271100.2); c.1273CCT[1], p.Pro426del (NM_001362895.2, NM_001362896.2); and 2 more; short protein forms P343del, P409del, P426del, P388del, P389del, P346del, P371del, P329del.
Identifiers: ClinVar variation 735473 (VCV000735473.28), dbSNP rs753923608, ClinGen allele CA187615917.

ClinVar aggregate classification (germline): Likely benign. Review status: criteria provided, multiple submitters, no conflicts (2 of 4 stars). 4 submissions from 4 submitters: Likely benign (3). 1 of the submissions does not count toward it. Last evaluated 2024-03-01.

Conditions:
PUF60-related disorder. Also called: PUF60-related condition.
Syndromic intellectual disability. Also called: Intellectual disability syndrome. Identifiers: Orphanet 183763, MedGen C5680525, MONDO:0000508.

Submissions (4):

CeGaT Center for Human Genetics Tuebingen
Classification: Likely benign. Last evaluated: 2024-03-01. Review status: criteria provided, single submitter. Criteria: CeGaT Center For Human Genetics Tuebingen Variant Classification Criteria Version 2. Collection method: clinical testing. Allele origin: germline. Affected: yes. Observed: 2 variant alleles.
Comment: PUF60: PM4:Supporting, BS2

Department of Pathology and Laboratory Medicine, Sinai Health System
Classification: Likely benign for syndromic intellectual disability. Last evaluated: 2020-08-24. Review status: criteria provided, single submitter. Criteria: ACMG Guidelines, 2015. Collection method: research. Allele origin: germline.

Labcorp Genetics (formerly Invitae), Labcorp
Classification: Likely benign. Last evaluated: 2018-05-15. Review status: criteria provided, single submitter. Criteria: Invitae Variant Classification Sherloc (09022015). Collection method: clinical testing. Allele origin: germline.

PreventionGenetics, part of Exact Sciences
Classification: Likely benign for PUF60-related condition. Last evaluated: 2024-08-02. Review status: no assertion criteria provided. Collection method: clinical testing. Allele origin: germline. Not counted in ClinVar's aggregate classification.
Comment: This variant is classified as likely benign based on ACMG/AMP sequence variant interpretation guidelines (Richards et al. 2015 PMID: 25741868, with internal and published modifications).